The following is an entry in ClinVar:

NM_005120.3(MED12):c.245G>A (p.Arg82His)

Gene: MED12 (mediator complex subunit 12; plus strand). Cytogenetic location: Xq13.1.
Variant type: single nucleotide variant.
Coding change: c.245G>A on transcript NM_005120.3 (MANE Select); coding-DNA position 245, G replaced by A.
Protein change: p.Arg82His; replaces arginine 82 with histidine.
Molecular consequence: missense variant.
Genome position (GRCh38, 1-based): chrX:71,119,726, G>A. VCF-style: chrX-71119726-G-A. GRCh37 (hg19) VCF-style: chrX-70339576-G-A.
Other names: c.245G>A (NM_005120.2); short protein forms R82H.
Identifiers: ClinVar variation 2886304 (VCV002886304.5), dbSNP rs2092284874, ClinGen allele CA413499097.
Genomic context (GRCh38, chrX:71,119,726, plus strand): 5'-GTACACTTTTCTTCCCTCAGATCAGTTCCAACTTCAGCAGCATTATTGCAGAGAAATTAC[G>A]TTGTAATACCCTTCCTGACACTGGTCGCAGGAAGCCCCAAGTGAACCAGAAGGATAACTT-3'
Protein context (NP_005111.2, residues 72-92): NFSSIIAEKL[Arg82His]CNTLPDTGRR

ClinVar aggregate classification (germline): Uncertain significance. Review status: criteria provided, multiple submitters, no conflicts (2 of 4 stars). 3 submissions from 3 submitters: Uncertain significance (3). Last evaluated 2025-07-07.

Conditions:
Familial thoracic aortic aneurysm and aortic dissection (TAAD). Also called: Thoracic aortic aneurysms and dissections. Identifiers: Orphanet 91387, MedGen C4707243, MONDO:0019625.
FG syndrome (FGS). Identifiers: MedGen C0220769, MONDO:0002010.

Allele frequency attached by ClinVar (database versions not stated): gnomAD exomes below 0.00001; gnomAD 0.00001.

Submissions (3):

GeneDx
Classification: Uncertain significance. Last evaluated: 2025-07-07. Review status: criteria provided, single submitter. Criteria: GeneDx Variant Classification Process June 2021. Collection method: clinical testing. Allele origin: germline. Affected: yes.
Comment: Not observed at significant frequency in large population cohorts (gnomAD); In silico analysis suggests that this missense variant does not alter protein structure/function; Has not been previously published as pathogenic or benign to our knowledge

Ambry Genetics
Classification: Uncertain significance for Familial thoracic aortic aneurysm and aortic dissection. Last evaluated: 2025-05-24. Review status: criteria provided, single submitter. Criteria: Ambry Variant Classification Scheme 2023. Collection method: clinical testing. Allele origin: germline.
Comment: The p.R82H variant (also known as c.245G>A), located in coding exon 3 of the MED12 gene, results from a G to A substitution at nucleotide position 245. The arginine at codon 82 is replaced by histidine, an amino acid with highly similar properties. This amino acid position is conserved. In addition, the in silico prediction for this alteration is inconclusive. Based on the available evidence, the clinical significance of this variant remains unclear.

Labcorp Genetics (formerly Invitae), Labcorp
Classification: Uncertain significance for FG syndrome. Last evaluated: 2024-06-30. Review status: criteria provided, single submitter. Criteria: Invitae Variant Classification Sherloc (09022015). Collection method: clinical testing. Allele origin: germline.
Comment: This sequence change replaces arginine, which is basic and polar, with histidine, which is basic and polar, at codon 82 of the MED12 protein (p.Arg82His). This variant is not present in population databases (gnomAD no frequency). This variant has not been reported in the literature in individuals affected with MED12-related conditions. Advanced modeling of protein sequence and biophysical properties (such as structural, functional, and spatial information, amino acid conservation, physicochemical variation, residue mobility, and thermodynamic stability) has been performed at Invitae for this missense variant, however the output from this modeling did not meet the statistical confidence thresholds required to predict the impact of this variant on MED12 protein function. In summary, the available evidence is currently insufficient to determine the role of this variant in disease. Therefore, it has been classified as a Variant of Uncertain Significance.